The following is an entry in ClinVar:

ClinVar aggregate classification (germline): Uncertain significance (1 of 4 stars; one submission).

Allele frequency attached by ClinVar (database versions not stated): gnomAD exomes below 0.00001.
gnomAD v4.1: 6 of 1,604,020 alleles (0.00037%); highest among the groups gnomAD compares: Admixed American, 0.0017%; no homozygotes.

Submission:

Labcorp Genetics (formerly Invitae), Labcorp
Classification: Uncertain significance. Last evaluated: 2024-10-24. Review status: criteria provided, single submitter. Criteria: Invitae Variant Classification Sherloc (09022015). Collection method: clinical testing. Allele origin: germline.
Comment: This sequence change replaces methionine, which is neutral and non-polar, with threonine, which is neutral and polar, at codon 308 of the FARSB protein (p.Met308Thr). This variant is not present in population databases (gnomAD no frequency). This variant has not been reported in the literature in individuals affected with FARSB-related conditions. ClinVar contains an entry for this variant (Variation ID: 1518763). Invitae Evidence Modeling of protein sequence and biophysical properties (such as structural, functional, and spatial information, amino acid conservation, physicochemical variation, residue mobility, and thermodynamic stability) indicates that this missense variant is not expected to disrupt FARSB protein function with a negative predictive value of 80%. In summary, the available evidence is currently insufficient to determine the role of this variant in disease. Therefore, it has been classified as a Variant of Uncertain Significance.

NM_005687.5(FARSB):c.923T>C (p.Met308Thr)

Gene: FARSB (phenylalanyl-tRNA synthetase subunit beta; minus strand). Cytogenetic location: 2q36.1.
Variant type: single nucleotide variant.
Coding change: c.923T>C on transcript NM_005687.5 (MANE Select); coding-DNA position 923, T replaced by C.
Protein change: p.Met308Thr; replaces methionine 308 with threonine.
Molecular consequence: missense variant. On other transcripts: non-coding transcript variant (1).
Genome position (GRCh38, 1-based): chr2:222,624,753, A>G on the plus strand (T>C on the coding strand, the complement: FARSB is on the minus strand). VCF-style: chr2-222624753-A-G. GRCh37 (hg19) VCF-style: chr2-223489472-A-G.
Other names: short protein forms M308T.
Identifiers: ClinVar variation 1518763 (VCV001518763.8), dbSNP rs2106219989, ClinGen allele CA350811506.